The following is an entry in ClinVar:

ClinVar aggregate classification (germline): Likely pathogenic (1 of 4 stars; one submission).

Conditions:
Ornithine carbamoyltransferase deficiency (OTCD). Also called: ORNITHINE TRANSCARBAMYLASE DEFICIENCY; ORNITHINE TRANSCARBAMYLASE DEFICIENCY, HYPERAMMONEMIA DUE TO; OTC DEFICIENCY; Ornithine Carbamoyltransferase Deficiency Disease. Identifiers: Orphanet 664, MedGen C0268542, MONDO:0010703, OMIM 311250.

Submission:

Myriad Genetics, Inc.
Classification: Likely pathogenic for Ornithine carbamoyltransferase deficiency. Last evaluated: 2022-02-12. Review status: criteria provided, single submitter. Criteria: Myriad Women's Health Autosomal Recessive and X-Linked Classification Criteria (2021). Collection method: clinical testing. Allele origin: unknown.
Comment: NM_000531.5(OTC):c.179C>A(S60*) is expected to be pathogenic in the context of ornithine transcarbamylase deficiency. This variant is predicted to lead to an abnormal or absent protein product due to the creation of a premature termination codon in OTC, a gene where loss-of-function variants are known to be pathogenic. Please note: this variant was assessed in the context of healthy population screening.

NM_000531.6(OTC):c.179C>A (p.Ser60Ter)

Gene: OTC (ornithine transcarbamylase; plus strand). Cytogenetic location: Xp11.4.
Variant type: single nucleotide variant.
Coding change: c.179C>A on transcript NM_000531.6 (MANE Select); coding-DNA position 179, C replaced by A.
Protein change: p.Ser60Ter; replaces serine 60 with a stop codon.
Molecular consequence: nonsense.
Genome position (GRCh38, 1-based): chrX:38,367,392, C>A. VCF-style: chrX-38367392-C-A. GRCh37 (hg19) VCF-style: chrX-38226645-C-A.
Other names: c.179C>A, p.Ser60Ter (NM_001407092.1); short protein forms S60*.
Identifiers: ClinVar variation 1724397 (VCV001724397.2), dbSNP rs72554323, ClinGen allele CA412716336.
Genomic context (GRCh38, chrX:38,367,392, plus strand): 5'-GTGACCTTCTCACTCTAAAAAACTTTACCGGAGAAGAAATTAAATATATGCTATGGCTAT[C>A]AGCAGATCTGAAATTTAGGATAAAACAGAAAGGAGAGGTATGTAACATTTTCTTTTTACG-3'